The following is an entry in ClinVar:

NM_016507.4(CDK12):c.1763C>T (p.Thr588Ile)

Gene: CDK12 (cyclin dependent kinase 12; plus strand). Cytogenetic location: 17q12.
Variant type: single nucleotide variant.
Coding change: c.1763C>T on transcript NM_016507.4 (MANE Select); coding-DNA position 1763, C replaced by T.
Protein change: p.Thr588Ile; replaces threonine 588 with isoleucine.
Molecular consequence: missense variant.
Genome position (GRCh38, 1-based): chr17:39,471,595, C>T. VCF-style: chr17-39471595-C-T. GRCh37 (hg19) VCF-style: chr17-37627848-C-T.
Other names: c.1763C>T, p.Thr588Ile (NM_015083.4); short protein forms T588I.
Identifiers: ClinVar variation 3489201 (VCV003489201.1).

ClinVar aggregate classification (germline): Uncertain significance (1 of 4 stars; one submission).

gnomAD v4.1: 31 of 1,614,172 alleles (0.0019%); highest among the groups gnomAD compares: South Asian, 0.026%; no homozygotes.

Submission:

Ambry Genetics
Classification: Uncertain significance. Last evaluated: 2024-11-18. Review status: criteria provided, single submitter. Criteria: Ambry Variant Classification Scheme 2023. Collection method: clinical testing. Allele origin: germline.
Comment: The p.T588I variant (also known as c.1763C>T), located in coding exon 2 of the CDK12 gene, results from a C to T substitution at nucleotide position 1763. The threonine at codon 588 is replaced by isoleucine, an amino acid with similar properties. This amino acid position is conserved. In addition, this alteration is predicted to be tolerated by in silico analysis. Based on the available evidence, the clinical significance of this variant remains unclear.